The following is an entry in ClinVar:

NM_003545.4(H4C5):c.295T>C (p.Tyr99His)

Gene: H4C5 (H4 clustered histone 5; plus strand). Cytogenetic location: 6p22.2.
Variant type: single nucleotide variant.
Coding change: c.295T>C on transcript NM_003545.4 (MANE Select); coding-DNA position 295, T replaced by C.
Protein change: p.Tyr99His; replaces tyrosine 99 with histidine.
Molecular consequence: missense variant.
Genome position (GRCh38, 1-based): chr6:26,204,939, T>C. VCF-style: chr6-26204939-T-C. GRCh37 (hg19) VCF-style: chr6-26205167-T-C.
Other names: H4C5, TYR99HIS; p.Tyr99His; short protein forms Y99H.
Identifiers: ClinVar variation 2443864 (VCV002443864.6), dbSNP rs2480785483, ClinGen allele CA363201221.

ClinVar aggregate classification (germline): Pathogenic/Likely pathogenic. Review status: criteria provided, multiple submitters, no conflicts (2 of 4 stars). 4 submissions from 4 submitters: Pathogenic (1); Likely pathogenic (1). 2 of the submissions do not count toward it. Last evaluated 2025-02-14.

Conditions:
Tessadori-Van Haaften neurodevelopmental syndrome 3 (TEBIVANED3). Identifiers: MedGen C5774310, MONDO:0030993, OMIM 619950.

Submissions (4):

3billion
Classification: Pathogenic for Tessadori-Van Haaften neurodevelopmental syndrome 3. Last evaluated: 2025-02-14. Review status: criteria provided, single submitter. Criteria: ACMG Guidelines, 2015. Collection method: clinical testing. Allele origin: germline. Affected: yes.
Comment: The variant is not observed in the gnomAD v4.1.0 dataset. Predicted Consequence/Location: Missense variant. Missense changes are a common disease-causing mechanism. Functional studies provide moderate evidence of the variant having a damaging effect on the gene or gene product (PMID: 35202563). In silico tool predictions suggest damaging effect of the variant on gene or gene product [REVEL: 0.32 (>=0.6, sensitivity 0.68 and specificity 0.92); 3Cnet: 0.87 (>=0.6, sensitivity 0.72 and precision 0.9)]. The same nucleotide change resulting in the same amino acid change has been previously reported to be associated with H4C5-related disorder (ClinVar ID: VCV002443864 /PMID: 35202563). The variant has been previously reported as de novo in a similarly affected individual (PMID: 35202563). Therefore, this variant is classified as Pathogenic according to the recommendation of ACMG/AMP guideline.

Ambry Genetics
Classification: Likely pathogenic. Last evaluated: 2023-08-04. Review status: criteria provided, single submitter. Criteria: Ambry Variant Classification Scheme 2023. Collection method: clinical testing. Allele origin: germline.
Comment: The c.295T>C (p.Y99H) alteration is located in exon 1 (coding exon 1) of the H4C5 gene. This alteration results from a T to C substitution at nucleotide position 295, causing the tyrosine (Y) at amino acid position 99 to be replaced by a histidine (H). This variant was not reported in population-based cohorts in the Genome Aggregation Database (gnomAD). This variant has been determined to be the result of a de novo mutation in an individual with features consistent with H4C5-related Tessadori-van Haaften neurodevelopmental syndrome (Tessadori, 2022). This amino acid position is highly conserved in available vertebrate species. The in silico prediction for this alteration is inconclusive. Based on the available evidence, this alteration is classified as likely pathogenic.

OMIM
Classification: Pathogenic for TESSADORI-VAN HAAFTEN NEURODEVELOPMENTAL SYNDROME 3. Last evaluated: 2023-01-20. Review status: no assertion criteria provided. Collection method: literature only. Allele origin: germline. Not counted in ClinVar's aggregate classification.

Undiagnosed Diseases Network, NIH
Classification: Pathogenic for Tessadori-Van Haaften neurodevelopmental syndrome 3. Last evaluated: 2022-10-11. Review status: no assertion criteria provided. Collection method: clinical testing. Allele origin: de novo. Affected: yes. Observed: 1 variant allele, 1 heterozygote. Not counted in ClinVar's aggregate classification.

Literature cited by the submitters: PubMed 35202563 (cited by 3 submitters).